The following is an entry in ClinVar:

NM_020987.5(ANK3):c.11977T>C (p.Cys3993Arg)

Gene: ANK3 (ankyrin 3; minus strand). Cytogenetic location: 10q21.2.
Variant type: single nucleotide variant.
Coding change: c.11977T>C on transcript NM_020987.5 (MANE Select); coding-DNA position 11977, T replaced by C.
Protein change: p.Cys3993Arg; replaces cysteine 3993 with arginine.
Molecular consequence: missense variant. On other transcripts: intron variant (4).
Genome position (GRCh38, 1-based): chr10:60,068,904, A>G on the plus strand (T>C on the coding strand, the complement: ANK3 is on the minus strand). VCF-style: chr10-60068904-A-G. GRCh37 (hg19) VCF-style: chr10-61828662-A-G.
Other names: c.4388-895T>C (NM_001204403.2); c.4409-895T>C (NM_001204404.2); c.4406-895T>C (NM_001320874.2); c.1808-895T>C (NM_001149.4); short protein forms C3993R.
Identifiers: ClinVar variation 2227073 (VCV002227073.29), dbSNP rs149557437, ClinGen allele CA5510993.

ClinVar aggregate classification (germline): Uncertain significance. Review status: criteria provided, multiple submitters, no conflicts (2 of 4 stars). 3 submissions from 3 submitters: Uncertain significance (3). Last evaluated 2026-01-04.

Conditions:
Inborn genetic diseases. Identifiers: MedGen C0950123, MeSH D030342.

Allele frequency attached by ClinVar (database versions not stated): ESP Exome Variant Server 0.00008; ExAC 0.00009; gnomAD exomes 0.00015; 1000 Genomes Project 30x 0.00016; 1000 Genomes Project 0.00020; gnomAD 0.00023; TOPMed 0.00031.
gnomAD v4.1: 258 of 1,614,122 alleles (0.016%); highest among the groups gnomAD compares: Middle Eastern, 0.049%; 1 homozygote.

Submissions (3):

Labcorp Genetics (formerly Invitae), Labcorp
Classification: Uncertain significance. Last evaluated: 2026-01-04. Review status: criteria provided, single submitter. Criteria: Invitae Variant Classification Sherloc (09022015). Collection method: clinical testing. Allele origin: germline.
Comment: This sequence change replaces cysteine, which is neutral and slightly polar, with arginine, which is basic and polar, at codon 3993 of the ANK3 protein (p.Cys3993Arg). This variant is present in population databases (rs149557437, gnomAD 0.03%), including at least one homozygous and/or hemizygous individual. This variant has not been reported in the literature in individuals affected with ANK3-related conditions. ClinVar contains an entry for this variant (Variation ID: 2227073). An algorithm developed to predict the effect of missense changes on protein structure and function (PolyPhen-2) suggests that this variant is likely to be disruptive. In summary, the available evidence is currently insufficient to determine the role of this variant in disease. Therefore, it has been classified as a Variant of Uncertain Significance.

CeGaT Center for Human Genetics Tuebingen
Classification: Uncertain significance. Last evaluated: 2022-11-01. Review status: criteria provided, single submitter. Criteria: CeGaT Center For Human Genetics Tuebingen Variant Classification Criteria Version 2. Collection method: clinical testing. Allele origin: germline. Affected: yes. Observed: 1 variant allele.

Ambry Genetics
Classification: Uncertain significance for Inborn genetic diseases. Last evaluated: 2021-07-20. Review status: criteria provided, single submitter. Criteria: Ambry Variant Classification Scheme 2023. Collection method: clinical testing. Allele origin: germline.